The following is an entry in ClinVar:

ClinVar aggregate classification (germline): Pathogenic (1 of 4 stars; one submission).

gnomAD v4.1: 1 of 1,211,352 alleles (0.000083%); highest among the groups gnomAD compares: Non-Finnish European, 0.00011%; no homozygotes.

Submission:

GeneDx
Classification: Pathogenic. Last evaluated: 2024-12-11. Review status: criteria provided, single submitter. Criteria: GeneDx Variant Classification Process June 2021. Collection method: clinical testing. Allele origin: germline. Affected: yes.
Comment: RNA studies demonstrate that c.2607+1G>A results in the skipping of exon 7, leading to a premature stop codon in exon 8, and creating a truncated protein that has no capacity to bind the physiological androgen dihydrotestosterone (PMID: 9296379); Not observed at significant frequency in large population cohorts (gnomAD); This variant is associated with the following publications: (PMID: 25525159, 8174721, 33602557, 15522944, 9296379)

NM_000044.6(AR):c.2607+1G>A

Gene: AR (androgen receptor; plus strand). Cytogenetic location: Xq12.
Variant type: single nucleotide variant.
Coding change: c.2607+1G>A on transcript NM_000044.6 (MANE Select); the canonical splice donor site of the intron after coding-DNA position 2607, G replaced by A.
Molecular consequence: splice donor variant.
Genome position (GRCh38, 1-based): chrX:67,722,985, G>A. VCF-style: chrX-67722985-G-A. GRCh37 (hg19) VCF-style: chrX-66942827-G-A.
Other names: c.1011+1G>A (NM_001011645.3).
Identifiers: ClinVar variation 3903160 (VCV003903160.1).